The following is an entry in ClinVar:

NM_006035.4(CDC42BPB):c.71C>T (p.Ala24Val)

Gene: CDC42BPB (CDC42 binding protein kinase beta; minus strand). Cytogenetic location: 14q32.32.
Variant type: single nucleotide variant.
Coding change: c.71C>T on transcript NM_006035.4 (MANE Select); coding-DNA position 71, C replaced by T.
Protein change: p.Ala24Val; replaces alanine 24 with valine.
Molecular consequence: missense variant.
Genome position (GRCh38, 1-based): chr14:103,057,103, G>A on the plus strand (C>T on the coding strand, the complement: CDC42BPB is on the minus strand). VCF-style: chr14-103057103-G-A. GRCh37 (hg19) VCF-style: chr14-103523440-G-A.
Other names: c.71C>T, p.Ala24Val (NM_001411054.1); short protein forms A24V.
Identifiers: ClinVar variation 4994512 (VCV004994512.1).

ClinVar aggregate classification (germline): Uncertain significance (1 of 4 stars; one submission).

Conditions:
CDC42BPB-related disorder.

gnomAD v4.1: 2 of 1,524,798 alleles (0.00013%); highest among the groups gnomAD compares: Non-Finnish European, 0.00018%; no homozygotes.

Submission:

PreventionGenetics, part of Exact Sciences
Classification: Uncertain significance for CDC42BPB-related condition. Last evaluated: 2026-07-10. Review status: criteria provided, single submitter. Criteria: ACMG Guidelines, 2015. Collection method: clinical testing. Allele origin: germline.
Comment: The CDC42BPB c.71C>T variant is predicted to result in the amino acid substitution p.Ala24Val. To our knowledge, this variant has not been reported in the literature or in a large population database (gnomAD), indicating this variant is rare. At this time, the clinical significance of this variant is uncertain due to the absence of conclusive functional and genetic evidence.